The following is an entry in ClinVar:

ClinVar aggregate classification (germline): Likely benign (1 of 4 stars; one submission).

Allele frequency attached by ClinVar (database versions not stated): ExAC 0.00003; gnomAD exomes 0.00003; gnomAD 0.00005; TOPMed 0.00009.

Submission:

CeGaT Center for Human Genetics Tuebingen
Classification: Likely benign. Last evaluated: 2022-07-01. Review status: criteria provided, single submitter. Criteria: CeGaT Center For Human Genetics Tuebingen Variant Classification Criteria Version 2. Collection method: clinical testing. Allele origin: germline. Affected: yes. Observed: 1 variant allele.
Comment: BCORL1: BP4, BP7

NM_001379451.1(BCORL1):c.3882C>T (p.His1294=)

Gene: BCORL1 (BCL6 corepressor like 1; plus strand). Cytogenetic location: Xq26.1.
Variant type: single nucleotide variant.
Coding change: c.3882C>T on transcript NM_001379451.1 (MANE Select); coding-DNA position 3882, C replaced by T.
Protein change: p.His1294=; no amino-acid change (histidine 1294 retained).
Molecular consequence: synonymous variant.
Genome position (GRCh38, 1-based): chrX:130,025,183, C>T. VCF-style: chrX-130025183-C-T. GRCh37 (hg19) VCF-style: chrX-129159158-C-T.
Other names: c.3882C>T, p.His1294= (NM_001184772.3, NM_001379450.1, NM_021946.5).
Identifiers: ClinVar variation 2661421 (VCV002661421.24), dbSNP rs781004468, ClinGen allele CA10514598.